The following is an entry in ClinVar:

NM_000179.3(MSH6):c.3253A>C (p.Thr1085Pro)

Gene: MSH6 (mutS homolog 6; plus strand). Cytogenetic location: 2p16.3.
Variant type: single nucleotide variant.
Coding change: c.3253A>C on transcript NM_000179.3 (MANE Select); coding-DNA position 3253, A replaced by C.
Protein change: p.Thr1085Pro; replaces threonine 1085 with proline.
Molecular consequence: missense variant. On other transcripts: non-coding transcript variant (5), intron variant (1).
Genome position (GRCh38, 1-based): chr2:47,803,500, A>C. VCF-style: chr2-47803500-A-C. GRCh37 (hg19) VCF-style: chr2-48030639-A-C.
Other names: c.34A>C, p.Thr12Pro (NM_001406831.1); c.100A>C, p.Thr34Pro (NM_001406832.1); c.1198A>C, p.Thr400Pro (NM_001407362.1); c.3173-94A>C (NM_001406798.1); c.2863A>C, p.Thr955Pro (NM_001281492.2); c.2347A>C, p.Thr783Pro (NM_001281493.2, NM_001281494.2, NM_001406811.1 and 6 more transcripts); c.3349A>C, p.Thr1117Pro (NM_001406795.1, NM_001406802.1); c.3253A>C, p.Thr1085Pro (NM_001406796.1, NM_001406800.1, NM_001406808.1 and 1 more transcripts); and 7 more; short protein forms T1029P, T1059P, T1085P, T1087P, T1117P, T12P, T34P, T400P.
Identifiers: ClinVar variation 4860376 (VCV004860376.1).

ClinVar aggregate classification (germline): Uncertain significance (1 of 4 stars; one submission).

Conditions:
Hereditary cancer-predisposing syndrome. Also called: Neoplastic Syndromes, Hereditary; Tumor predisposition; Hereditary Cancer Syndrome; Hereditary neoplastic syndrome. Identifiers: Orphanet 140162, MedGen C0027672, MeSH D009386, MONDO:0015356.

Submission:

Ambry Genetics
Classification: Uncertain significance for Hereditary cancer-predisposing syndrome. Last evaluated: 2026-03-20. Review status: criteria provided, single submitter. Criteria: Ambry Variant Classification Scheme 2023. Collection method: clinical testing. Allele origin: germline.
Comment: The p.T1085P variant (also known as c.3253A>C), located in coding exon 5 of the MSH6 gene, results from an A to C substitution at nucleotide position 3253. The threonine at codon 1085 is replaced by proline, an amino acid with highly similar properties. This amino acid position is not well conserved in available vertebrate species. In addition, the in silico prediction for this alteration is inconclusive. Based on the available evidence, the clinical significance of this variant remains unclear.